The following is an entry in ClinVar:

ClinVar aggregate classification (germline): Conflicting classifications of pathogenicity. Review status: criteria provided, conflicting classifications (1 of 4 stars). 7 submissions from 7 submitters: Uncertain significance (2); Likely benign (4). 1 of the submissions does not count toward it. Last evaluated 2026-01-24.

Conditions:
Inborn genetic diseases. Identifiers: MedGen C0950123, MeSH D030342.
Aicardi Goutieres syndrome (AGS). Also called: Encephalopathy, familial infantile, with calcification of basal ganglia and chronic cerebrospinal fluid lymphocytosis. Identifiers: Orphanet 51, MedGen C0393591, MONDO:0018866.
Aicardi-Goutieres syndrome 5. Identifiers: Orphanet 51, MedGen C2749659, MONDO:0013059, OMIM 612952.

Allele frequency attached by ClinVar (database versions not stated): gnomAD exomes 0.00005 and 0.00014; ExAC 0.00017; TOPMed 0.00032; gnomAD 0.00039; 1000 Genomes Project 30x 0.00047; ESP Exome Variant Server 0.00054; 1000 Genomes Project 0.00060.
gnomAD v4.1: 137 of 1,613,944 alleles (0.0085%); highest among the groups gnomAD compares: African/African-American, 0.11%; no homozygotes.

Submissions (7):

Labcorp Genetics (formerly Invitae), Labcorp
Classification: Likely benign for Aicardi-Goutieres syndrome 5. Last evaluated: 2026-01-24. Review status: criteria provided, single submitter. Criteria: Invitae Variant Classification Sherloc (09022015). Collection method: clinical testing. Allele origin: germline.

Women's Health and Genetics/Laboratory Corporation of America, LabCorp
Classification: Likely benign. Last evaluated: 2025-12-02. Review status: criteria provided, single submitter. Criteria: LabCorp Variant Classification Summary - May 2015. Collection method: clinical testing. Allele origin: germline.
Comment: Variant summary: SAMHD1 c.1832G>A (p.Arg611Gln) results in a conservative amino acid change in the encoded protein sequence. Algorithms developed to predict the effect of missense changes on protein structure and function all suggest that this variant is likely to be tolerated. The variant allele was found at a frequency of 0.00014 in 249696 control chromosomes, predominantly at a frequency of 0.0012 within the African or African-American subpopulation in the gnomAD database. The observed variant frequency within African or African-American control individuals in the gnomAD database exceeds the estimated maximal expected allele frequency for disease-causing variants in SAMHD1. To our knowledge, no occurrence of c.1832G>A in individuals affected with SAMHD1-related conditions and no experimental evidence demonstrating its impact on protein function have been reported. ClinVar contains an entry for this variant (Variation ID: 290248). Based on the evidence outlined above, the variant was classified as likely benign.

Blueprint Genetics
Classification: Likely benign. Last evaluated: 2024-06-27. Review status: criteria provided, single submitter. Criteria: ACMG Guidelines, 2015. Collection method: clinical testing. Allele origin: germline.

Ambry Genetics
Classification: Likely benign for Inborn genetic diseases. Last evaluated: 2022-02-25. Review status: criteria provided, single submitter. Criteria: Ambry Variant Classification Scheme 2023. Collection method: clinical testing. Allele origin: germline.

Eurofins Ntd Llc (ga)
Classification: Uncertain significance. Last evaluated: 2016-08-15. Review status: criteria provided, single submitter. Criteria: EGL Classification Definitions 2015. Collection method: clinical testing. Allele origin: germline. Observed: 1 variant allele, 1 heterozygote.

Breakthrough Genomics
Classification: Uncertain significance. Review status: criteria provided, single submitter. Criteria: ACMG Guidelines, 2015. Collection method: not provided. Allele origin: germline. Inheritance: Autosomal dominant inheritance. Affected: yes.

Natera, Inc.
Classification: Uncertain significance for Aicardi-Goutieres syndrome. Last evaluated: 2020-02-20. Review status: no assertion criteria provided. Collection method: clinical testing. Allele origin: germline. Not counted in ClinVar's aggregate classification.

NM_015474.4(SAMHD1):c.1832G>A (p.Arg611Gln)

Genes: TLDC2 (TBC/LysM-associated domain containing 2; plus strand), SAMHD1 (SAM and HD domain containing deoxynucleoside triphosphate triphosphohydrolase 1; minus strand). Cytogenetic location: 20q11.23.
Variant type: single nucleotide variant.
Coding change: c.1832G>A on transcript NM_015474.4 (MANE Select); coding-DNA position 1832, G replaced by A.
Protein change: p.Arg611Gln; replaces arginine 611 with glutamine.
Molecular consequence: missense variant. On other transcripts: 3 prime UTR variant (3).
Genome position (GRCh38, 1-based): chr20:36,892,981, C>T on the plus strand (G>A on the coding strand, the complement: SAMHD1 is on the minus strand). VCF-style: chr20-36892981-C-T. GRCh37 (hg19) VCF-style: chr20-35521384-C-T.
Other names: c.*137C>T (NM_001304783.1, NM_080628.3); c.1727G>A, p.Arg576Gln (NM_001363729.2); c.*925G>A (NM_001363733.2); short protein forms R611Q, R576Q.
Identifiers: ClinVar variation 290248 (VCV000290248.13), dbSNP rs150713148, ClinGen allele CA9844403.